The following is an entry in ClinVar:

NM_177438.3(DICER1):c.307+1G>C

Gene: DICER1 (dicer 1, ribonuclease III; minus strand). Cytogenetic location: 14q32.13.
Variant type: single nucleotide variant.
Coding change: c.307+1G>C on transcript NM_177438.3 (MANE Select); the canonical splice donor site of the intron after coding-DNA position 307, G replaced by C.
Molecular consequence: splice donor variant.
Genome position (GRCh38, 1-based): chr14:95,132,514, C>G on the plus strand (G>C on the coding strand, the complement: DICER1 is on the minus strand). VCF-style: chr14-95132514-C-G. GRCh37 (hg19) VCF-style: chr14-95598851-C-G.
Other names: c.33+1G>C (NM_001395688.1, NM_001395696.1, NM_001395698.1 and 4 more transcripts); c.-1262+1G>C (NM_001395697.1); c.307+1G>C (NM_001395679.1, NM_001395682.1, NM_001271282.3 and 14 more transcripts); c.-152+1G>C (NM_001395691.1).
Identifiers: ClinVar variation 658691 (VCV000658691.10), dbSNP rs1595465765, ClinGen allele CA390889587.

ClinVar aggregate classification (germline): Likely pathogenic (1 of 4 stars; one submission).

Conditions:
DICER1-related tumor predisposition. Also called: DICER1 syndrome; DICER1-related pleuropulmonary blastoma cancer predisposition syndrome. Identifiers: Orphanet 284343, MedGen C3839822, MONDO:0100216.

Submission:

Labcorp Genetics (formerly Invitae), Labcorp
Classification: Likely pathogenic for DICER1-related tumor predisposition. Last evaluated: 2025-02-18. Review status: criteria provided, single submitter. Criteria: Invitae Variant Classification Sherloc (09022015). Collection method: clinical testing. Allele origin: germline.
Comment: This sequence change affects a donor splice site in intron 3 of the DICER1 gene. It is expected to disrupt RNA splicing. Variants that disrupt the donor or acceptor splice site typically lead to a loss of protein function (PMID: 16199547), and loss-of-function variants in DICER1 are known to be pathogenic (PMID: 19556464, 21266384). This variant is not present in population databases (gnomAD no frequency). Disruption of this splice site has been observed in individual(s) with clinical features of DICER1-related conditions (PMID: 33460435; internal data). ClinVar contains an entry for this variant (Variation ID: 658691). Algorithms developed to predict the effect of sequence changes on RNA splicing suggest that this variant may disrupt the consensus splice site. In summary, the currently available evidence indicates that the variant is pathogenic, but additional data are needed to prove that conclusively. Therefore, this variant has been classified as Likely Pathogenic.

Literature cited by the submitters: PubMed 16199547; PubMed 19556464; PubMed 21266384; PubMed 33460435.